The following is an entry in ClinVar:

ClinVar aggregate classification (germline): Uncertain significance. Review status: criteria provided, multiple submitters, no conflicts (2 of 4 stars). 2 submissions from 2 submitters: Uncertain significance (2). Last evaluated 2022-08-20.

Conditions:
Inborn genetic diseases. Identifiers: MedGen C0950123, MeSH D030342.

Allele frequency attached by ClinVar (database versions not stated): TOPMed below 0.00001; gnomAD exomes 0.00001; gnomAD 0.00001.
gnomAD v4.1: 4 of 1,524,986 alleles (0.00026%); highest among the groups gnomAD compares: African/African-American, 0.0028%; no homozygotes.

Submissions (2):

Labcorp Genetics (formerly Invitae), Labcorp
Classification: Uncertain significance. Last evaluated: 2022-08-20. Review status: criteria provided, single submitter. Criteria: Invitae Variant Classification Sherloc (09022015). Collection method: clinical testing. Allele origin: germline.
Comment: In summary, the available evidence is currently insufficient to determine the role of this variant in disease. Therefore, it has been classified as a Variant of Uncertain Significance. Algorithms developed to predict the effect of missense changes on protein structure and function are either unavailable or do not agree on the potential impact of this missense change (SIFT: "Not Available"; PolyPhen-2: "Probably Damaging"; Align-GVGD: "Not Available"). ClinVar contains an entry for this variant (Variation ID: 1520395). This variant has not been reported in the literature in individuals affected with UNC80-related conditions. This variant is present in population databases (no rsID available, gnomAD 0.006%). This sequence change replaces aspartic acid, which is acidic and polar, with asparagine, which is neutral and polar, at codon 2158 of the UNC80 protein (p.Asp2158Asn).

Ambry Genetics
Classification: Uncertain significance for Inborn genetic diseases. Last evaluated: 2021-12-07. Review status: criteria provided, single submitter. Criteria: Ambry Variant Classification Scheme 2023. Collection method: clinical testing. Allele origin: germline.

NM_001371986.1(UNC80):c.6670G>A (p.Asp2224Asn)

Gene: UNC80 (unc-80 homolog, NALCN channel complex subunit; plus strand). Cytogenetic location: 2q34.
Variant type: single nucleotide variant.
Coding change: c.6670G>A on transcript NM_001371986.1 (MANE Select); coding-DNA position 6670, G replaced by A.
Protein change: p.Asp2224Asn; replaces aspartic acid 2224 with asparagine.
Molecular consequence: missense variant.
Genome position (GRCh38, 1-based): chr2:209,941,244, G>A. VCF-style: chr2-209941244-G-A. GRCh37 (hg19) VCF-style: chr2-210805968-G-A.
Other names: c.6472G>A, p.Asp2158Asn (NM_032504.2); c.6457G>A, p.Asp2153Asn (NM_182587.4); c.6472G>A (NM_032504.1); short protein forms D2224N, D2153N, D2158N.
Identifiers: ClinVar variation 1520395 (VCV001520395.5), dbSNP rs1363311880, ClinGen allele CA350772295.